The following is an entry in ClinVar:

NM_000373.4(UMPS):c.1375C>G (p.Arg459Gly)

Gene: UMPS (uridine monophosphate synthetase; plus strand). Cytogenetic location: 3q21.2.
Variant type: single nucleotide variant.
Coding change: c.1375C>G on transcript NM_000373.4 (MANE Select); coding-DNA position 1375, C replaced by G.
Protein change: p.Arg459Gly; replaces arginine 459 with glycine.
Molecular consequence: missense variant. On other transcripts: non-coding transcript variant (2).
Genome position (GRCh38, 1-based): chr3:124,744,016, C>G. VCF-style: chr3-124744016-C-G. GRCh37 (hg19) VCF-style: chr3-124462863-C-G.
Other names: short protein forms R459G.
Identifiers: ClinVar variation 529221 (VCV000529221.4), dbSNP rs928740792, ClinGen allele CA354283719.

ClinVar aggregate classification (germline): Uncertain significance (1 of 4 stars; one submission).

Conditions:
Hereditary orotic aciduria, type 1. Also called: Orotic aciduria type 1; Oroticaciduria 1. Identifiers: MedGen C0268130.

Allele frequency attached by ClinVar (database versions not stated): TOPMed 0.00001.
gnomAD v4.1: 2 of 1,614,064 alleles (0.00012%); highest among the groups gnomAD compares: Non-Finnish European, 0.00017%; no homozygotes.

Submission:

Labcorp Genetics (formerly Invitae), Labcorp
Classification: Uncertain significance for Hereditary orotic aciduria, type 1. Last evaluated: 2022-08-11. Review status: criteria provided, single submitter. Criteria: Invitae Variant Classification Sherloc (09022015). Collection method: clinical testing. Allele origin: germline.
Comment: This sequence change replaces arginine, which is basic and polar, with glycine, which is neutral and non-polar, at codon 459 of the UMPS protein (p.Arg459Gly). This variant is not present in population databases (gnomAD no frequency). This variant has not been reported in the literature in individuals affected with UMPS-related conditions. ClinVar contains an entry for this variant (Variation ID: 529221). Algorithms developed to predict the effect of missense changes on protein structure and function (SIFT, PolyPhen-2, Align-GVGD) all suggest that this variant is likely to be tolerated. In summary, the available evidence is currently insufficient to determine the role of this variant in disease. Therefore, it has been classified as a Variant of Uncertain Significance.